The following is an entry in ClinVar:

NM_001851.6(COL9A1):c.1124T>C (p.Leu375Pro)

Gene: COL9A1 (collagen type IX alpha 1 chain; minus strand). Cytogenetic location: 6q13.
Variant type: single nucleotide variant.
Coding change: c.1124T>C on transcript NM_001851.6 (MANE Select); coding-DNA position 1124, T replaced by C.
Protein change: p.Leu375Pro; replaces leucine 375 with proline.
Molecular consequence: missense variant. On other transcripts: non-coding transcript variant (1).
Genome position (GRCh38, 1-based): chr6:70,271,674, A>G on the plus strand (T>C on the coding strand, the complement: COL9A1 is on the minus strand). VCF-style: chr6-70271674-A-G. GRCh37 (hg19) VCF-style: chr6-70981377-A-G.
Other names: c.395T>C, p.Leu132Pro (NM_001377289.1, NM_001377290.1, NM_078485.4); short protein forms L132P, L375P.
Identifiers: ClinVar variation 1060622 (VCV001060622.6), dbSNP rs1405862928, ClinGen allele CA364682213.

ClinVar aggregate classification (germline): Uncertain significance (1 of 4 stars; one submission).

Allele frequency attached by ClinVar (database versions not stated): TOPMed below 0.00001.

Submission:

Labcorp Genetics (formerly Invitae), Labcorp
Classification: Uncertain significance. Last evaluated: 2022-04-25. Review status: criteria provided, single submitter. Criteria: Invitae Variant Classification Sherloc (09022015). Collection method: clinical testing. Allele origin: germline.
Comment: This sequence change replaces leucine, which is neutral and non-polar, with proline, which is neutral and non-polar, at codon 375 of the COL9A1 protein (p.Leu375Pro). This variant is not present in population databases (gnomAD no frequency). This variant has not been reported in the literature in individuals affected with COL9A1-related conditions. ClinVar contains an entry for this variant (Variation ID: 1060622). Advanced modeling of protein sequence and biophysical properties (such as structural, functional, and spatial information, amino acid conservation, physicochemical variation, residue mobility, and thermodynamic stability) performed at Invitae indicates that this missense variant is not expected to disrupt COL9A1 protein function. In summary, the available evidence is currently insufficient to determine the role of this variant in disease. Therefore, it has been classified as a Variant of Uncertain Significance.